The following is an entry in ClinVar:

NM_001329943.3(KIAA0586):c.155G>A (p.Arg52His)

Gene: KIAA0586 (KIAA0586; plus strand). Cytogenetic location: 14q23.1.
Variant type: single nucleotide variant.
Coding change: c.155G>A on transcript NM_001329943.3 (MANE Select); coding-DNA position 155, G replaced by A.
Protein change: p.Arg52His; replaces arginine 52 with histidine.
Molecular consequence: missense variant. On other transcripts: intron variant (5).
Genome position (GRCh38, 1-based): chr14:58,428,419, G>A. VCF-style: chr14-58428419-G-A. GRCh37 (hg19) VCF-style: chr14-58895137-G-A.
Other names: c.191G>A, p.Arg64His (NM_001244189.2); c.110G>A, p.Arg37His (NM_001244190.2); c.155G>A, p.Arg52His (NM_001329944.2, NM_001329946.2, NM_001329947.2 and 1 more transcripts); c.-57+782G>A (NM_001244192.2, NM_001244191.2); c.-57+606G>A (NM_001364701.2, NM_001329945.2, NM_001364700.1); short protein forms R64H, R52H, R37H.
Identifiers: ClinVar variation 1517666 (VCV001517666.8), dbSNP rs753917457, ClinGen allele CA7205275.

ClinVar aggregate classification (germline): Uncertain significance (1 of 4 stars; one submission).

Conditions:
Short-rib thoracic dysplasia 14 with polydactyly (SRTD14). Identifiers: Orphanet 397715, MedGen C4225286, MONDO:0014688, OMIM 616546.
Joubert syndrome 23 (JBTS23). Identifiers: Orphanet 475, MedGen C4084822, MONDO:0014664, OMIM 616490.

Allele frequency attached by ClinVar (database versions not stated): gnomAD exomes 0.00001 and below 0.00001; ExAC 0.00001.

Submission:

Labcorp Genetics (formerly Invitae), Labcorp
Classification: Uncertain significance for Joubert syndrome 23; Short-rib thoracic dysplasia 14 with polydactyly. Last evaluated: 2025-05-04. Review status: criteria provided, single submitter. Criteria: Invitae Variant Classification Sherloc (09022015). Collection method: clinical testing. Allele origin: germline.
Comment: This sequence change replaces arginine, which is basic and polar, with histidine, which is basic and polar, at codon 64 of the KIAA0586 protein (p.Arg64His). This variant is present in population databases (rs753917457, gnomAD 0.003%). This variant has not been reported in the literature in individuals affected with KIAA0586-related conditions. ClinVar contains an entry for this variant (Variation ID: 1517666). An algorithm developed to predict the effect of missense changes on protein structure and function outputs the following: PolyPhen-2: "Benign". The histidine amino acid residue is found in multiple mammalian species, which suggests that this missense change does not adversely affect protein function. In summary, the available evidence is currently insufficient to determine the role of this variant in disease. Therefore, it has been classified as a Variant of Uncertain Significance.